The following is an entry in ClinVar:

NM_005188.4(CBL):c.1083C>G (p.Ile361Met)

Gene: CBL (Cbl proto-oncogene; plus strand). Cytogenetic location: 11q23.3.
Variant type: single nucleotide variant.
Coding change: c.1083C>G on transcript NM_005188.4 (MANE Select); coding-DNA position 1083, C replaced by G.
Protein change: p.Ile361Met; replaces isoleucine 361 with methionine.
Molecular consequence: missense variant.
Genome position (GRCh38, 1-based): chr11:119,277,832, C>G. VCF-style: chr11-119277832-C-G. GRCh37 (hg19) VCF-style: chr11-119148542-C-G.
Other names: short protein forms I361M.
Identifiers: ClinVar variation 4613826 (VCV004613826.1).

ClinVar aggregate classification (germline): Uncertain significance (1 of 4 stars; one submission).

Conditions:
Cardiovascular phenotype. Identifiers: MedGen CN230736.

Submission:

Ambry Genetics
Classification: Uncertain significance for Cardiovascular phenotype. Last evaluated: 2025-10-03. Review status: criteria provided, single submitter. Criteria: Ambry Variant Classification Scheme 2023. Collection method: clinical testing. Allele origin: germline.
Comment: The p.I361M variant (also known as c.1083C>G), located in coding exon 7 of the CBL gene, results from a C to G substitution at nucleotide position 1083. The isoleucine at codon 361 is replaced by methionine, an amino acid with highly similar properties. This amino acid position is conserved. In addition, this alteration is predicted to be deleterious by in silico analysis. Based on the available evidence, the clinical significance of this variant remains unclear.